The following is an entry in ClinVar:

ClinVar aggregate classification (germline): Uncertain significance. Review status: criteria provided, multiple submitters, no conflicts (2 of 4 stars). 2 submissions from 2 submitters: Uncertain significance (2). Last evaluated 2020-02-14.

Conditions:
Bethlem myopathy 1A. Also called: MYOPATHY, BENIGN CONGENITAL, WITH CONTRACTURES; Bethlem myopathy 1; Bethlem Muscular Dystrophy. Identifiers: Orphanet 610, MedGen CN029274, MONDO:0024530, OMIM 158810.
Collagen 6-related myopathy. Identifiers: MedGen CN117976, MONDO:0100225.

Allele frequency attached by ClinVar (database versions not stated): gnomAD exomes below 0.00001.
gnomAD v4.1: 3 of 1,602,222 alleles (0.00019%); highest among the groups gnomAD compares: Non-Finnish European, 0.00026%; no homozygotes.

Submissions (2):

Labcorp Genetics (formerly Invitae), Labcorp
Classification: Uncertain significance for Bethlem myopathy 1A. Last evaluated: 2020-02-14. Review status: criteria provided, single submitter. Criteria: Invitae Variant Classification Sherloc (09022015). Collection method: clinical testing. Allele origin: germline.
Comment: In summary, the available evidence is currently insufficient to determine the role of this variant in disease. Therefore, it has been classified as a Variant of Uncertain Significance. Algorithms developed to predict the effect of missense changes on protein structure and function do not agree on the potential impact of this missense change (SIFT: "Tolerated"; PolyPhen-2: "Possibly Damaging"; Align-GVGD: "Class C0"). This variant has not been reported in the literature in individuals with COL6A1-related disease. ClinVar contains an entry for this variant (Variation ID: 340318). This variant is not present in population databases (ExAC no frequency). This sequence change replaces alanine with threonine at codon 448 of the COL6A1 protein (p.Ala448Thr). The alanine residue is weakly conserved and there is a small physicochemical difference between alanine and threonine.

Illumina Laboratory Services, Illumina
Classification: Uncertain significance for Collagen VI-related myopathy. Last evaluated: 2018-01-13. Review status: criteria provided, single submitter. Criteria: ICSL Variant Classification Criteria 13 December 2019. Collection method: clinical testing. Allele origin: germline.

NM_001848.3(COL6A1):c.1342G>A (p.Ala448Thr)

Gene: COL6A1 (collagen type VI alpha 1 chain; plus strand). Cytogenetic location: 21q22.3.
Variant type: single nucleotide variant.
Coding change: c.1342G>A on transcript NM_001848.3 (MANE Select); coding-DNA position 1342, G replaced by A.
Protein change: p.Ala448Thr; replaces alanine 448 with threonine.
Molecular consequence: missense variant.
Genome position (GRCh38, 1-based): chr21:45,994,173, G>A. VCF-style: chr21-45994173-G-A. GRCh37 (hg19) VCF-style: chr21-47414087-G-A.
Other names: short protein forms A448T.
Identifiers: ClinVar variation 340318 (VCV000340318.12), dbSNP rs886057153, ClinGen allele CA10653071.